The following is an entry in ClinVar:

ClinVar aggregate classification (germline): Benign/Likely benign. Review status: criteria provided, multiple submitters, no conflicts (2 of 4 stars). 3 submissions from 3 submitters: Benign (1); Likely benign (2). Last evaluated 2025-07-29.

Conditions:
Hereditary cancer-predisposing syndrome. Also called: Neoplastic Syndromes, Hereditary; Hereditary Cancer Syndrome; Hereditary neoplastic syndrome; Tumor predisposition. Identifiers: Orphanet 140162, MedGen C0027672, MeSH D009386, MONDO:0015356.
Familial cancer of breast. Also called: hereditary breast carcinoma; BREAST CANCER, FAMILIAL; Hereditary breast cancer. Identifiers: Orphanet 227535, MedGen C0346153, MONDO:0016419, OMIM 114480. Disease mechanism: loss of function.
Fanconi anemia complementation group J. Also called: BRIP1-Related Fanconi Anemia. Identifiers: Orphanet 84, MedGen C1836860, MONDO:0012187, OMIM 609054.

Submissions (3):

Labcorp Genetics (formerly Invitae), Labcorp
Classification: Likely benign for Familial cancer of breast; Fanconi anemia complementation group J. Last evaluated: 2025-07-29. Review status: criteria provided, single submitter. Criteria: Invitae Variant Classification Sherloc (09022015). Collection method: clinical testing. Allele origin: germline.

Myriad Genetics, Inc.
Classification: Benign for Familial cancer of breast. Last evaluated: 2024-09-10. Review status: criteria provided, single submitter. Criteria: Myriad Autosomal Dominant, Autosomal Recessive and X-Linked Classification Criteria (2023). Collection method: clinical testing. Allele origin: unknown.
Comment: This variant is considered benign. This variant is a silent/synonymous amino acid change and it is not expected to impact splicing.

Ambry Genetics
Classification: Likely benign for Hereditary cancer-predisposing syndrome. Last evaluated: 2019-09-22. Review status: criteria provided, single submitter. Criteria: Ambry Variant Classification Scheme 2023. Collection method: clinical testing. Allele origin: germline.

NM_032043.3(BRIP1):c.3321A>G (p.Leu1107=)

Gene: BRIP1 (BRCA1 interacting DNA helicase 1; minus strand). Cytogenetic location: 17q23.2.
Variant type: single nucleotide variant.
Coding change: c.3321A>G on transcript NM_032043.3 (MANE Select); coding-DNA position 3321, A replaced by G.
Protein change: p.Leu1107=; no amino-acid change (leucine 1107 retained).
Molecular consequence: synonymous variant.
Genome position (GRCh38, 1-based): chr17:61,683,725, T>C on the plus strand (A>G on the coding strand, the complement: BRIP1 is on the minus strand). VCF-style: chr17-61683725-T-C. GRCh37 (hg19) VCF-style: chr17-59761086-T-C.
Identifiers: ClinVar variation 823607 (VCV000823607.14), dbSNP rs1603275229, ClinGen allele CA501335153.
Genomic context (GRCh38, chr17:61,683,725, plus strand): 5'-ATCTTCTGCTTCTGTTTCAAAATCTCTATTTGAAGTGGACTGTTTATCTTCTTCACTTAC[T>C]AGAGACAATTCAATGTCTGGATCCAGGGCTTCTTCAGAACAGAGCGGATGTTCAGAATGA-3'
Protein context (NP_114432.2, residues 1097-1117): EALDPDIELS[Leu1107=]VSEEDKQSTS